The following is an entry in ClinVar:

NM_002098.6(GUCA1B):c.282del (p.Lys95fs)

Gene: GUCA1B (guanylate cyclase activator 1B; minus strand). Cytogenetic location: 6p21.1.
Variant type: Deletion.
Coding change: c.282del on transcript NM_002098.6 (MANE Select); coding-DNA position 282, one base deleted (G; older notation c.282delG).
Protein change: p.Lys95fs; shifts the reading frame from lysine 95.
Molecular consequence: frameshift variant.
Genome position (GRCh38, 1-based): chr6:42,188,657, C deleted on the plus strand (G on the coding strand, the reverse complement: GUCA1B is on the minus strand). VCF-style (leftmost placement, unchanged base first): chr6-42188656-TC-T. GRCh37 (hg19) VCF-style: chr6-42156394-TC-T.
Other names: short protein forms K95fs.
Identifiers: ClinVar variation 2769566 (VCV002769566.3), dbSNP rs2546727043, ClinGen allele CA2697553369.

ClinVar aggregate classification (germline): Uncertain significance (1 of 4 stars; one submission).

Submission:

Labcorp Genetics (formerly Invitae), Labcorp
Classification: Uncertain significance. Last evaluated: 2023-10-17. Review status: criteria provided, single submitter. Criteria: Invitae Variant Classification Sherloc (09022015). Collection method: clinical testing. Allele origin: germline.
Comment: This sequence change creates a premature translational stop signal (p.Lys95Serfs*30) in the GUCA1B gene. It is expected to result in an absent or disrupted protein product. However, the current clinical and genetic evidence is not sufficient to establish whether loss-of-function variants in GUCA1B cause disease. This variant is not present in population databases (gnomAD no frequency). This variant has not been reported in the literature in individuals affected with GUCA1B-related conditions. In summary, the available evidence is currently insufficient to determine the role of this variant in disease. Therefore, it has been classified as a Variant of Uncertain Significance.